The following is an entry in ClinVar:

NM_021098.3(CACNA1H):c.643+3A>G

Gene: CACNA1H (calcium voltage-gated channel subunit alpha1 H; plus strand). Cytogenetic location: 16p13.3.
Variant type: single nucleotide variant.
Coding change: c.643+3A>G on transcript NM_021098.3 (MANE Select); 3 bases into the intron after coding-DNA position 643, A replaced by G.
Molecular consequence: intron variant.
Genome position (GRCh38, 1-based): chr16:1,196,026, A>G. VCF-style: chr16-1196026-A-G. GRCh37 (hg19) VCF-style: chr16-1246026-A-G.
Other names: c.643+3A>G (NM_001005407.2).
Identifiers: ClinVar variation 2176759 (VCV002176759.4), dbSNP rs78151210, ClinGen allele CA7799528.

ClinVar aggregate classification (germline): Uncertain significance (1 of 4 stars; one submission).

Conditions:
Idiopathic generalized epilepsy. Also called: Generalised epilepsy; EIG. Identifiers: MedGen C0270850, MONDO:0005579, OMIM 600669.
Hyperaldosteronism, familial, type IV (HALD4). Also called: FH IV; ALDOSTERONISM, PRIMARY, AND HYPERTENSION. Identifiers: Orphanet 642671, MedGen C4310756, MONDO:0014875, OMIM 617027.

Allele frequency attached by ClinVar (database versions not stated): TOPMed below 0.00001; ExAC 0.00001; gnomAD 0.00003; gnomAD exomes 0.00003.
gnomAD v4.1: 48 of 1,611,310 alleles (0.003%); highest among the groups gnomAD compares: East Asian, 0.1%; no homozygotes.

Submission:

Labcorp Genetics (formerly Invitae), Labcorp
Classification: Uncertain significance for Idiopathic generalized epilepsy; Hyperaldosteronism, familial, type IV. Last evaluated: 2023-04-06. Review status: criteria provided, single submitter. Criteria: Invitae Variant Classification Sherloc (09022015). Collection method: clinical testing. Allele origin: germline.
Comment: In summary, the available evidence is currently insufficient to determine the role of this variant in disease. Therefore, it has been classified as a Variant of Uncertain Significance. Variants that disrupt the consensus splice site are a relatively common cause of aberrant splicing (PMID: 17576681, 9536098). Algorithms developed to predict the effect of sequence changes on RNA splicing suggest that this variant is not likely to affect RNA splicing. ClinVar contains an entry for this variant (Variation ID: 2176759). This variant has not been reported in the literature in individuals affected with CACNA1H-related conditions. This variant is present in population databases (rs78151210, gnomAD 0.02%). This sequence change falls in intron 5 of the CACNA1H gene. It does not directly change the encoded amino acid sequence of the CACNA1H protein. It affects a nucleotide within the consensus splice site.

Literature cited by the submitters: PubMed 17576681; PubMed 9536098.